The following is an entry in ClinVar:

NM_014476.6(PDLIM3):c.440G>A (p.Arg147His)

Gene: PDLIM3 (PDZ and LIM domain 3; minus strand). Cytogenetic location: 4q35.1.
Variant type: single nucleotide variant.
Coding change: c.440G>A on transcript NM_014476.6 (MANE Select); coding-DNA position 440, G replaced by A.
Protein change: p.Arg147His; replaces arginine 147 with histidine.
Molecular consequence: missense variant. On other transcripts: intron variant (3).
Genome position (GRCh38, 1-based): chr4:185,508,521, C>T on the plus strand (G>A on the coding strand, the complement: PDLIM3 is on the minus strand). VCF-style: chr4-185508521-C-T. GRCh37 (hg19) VCF-style: chr4-186429675-C-T.
Other names: c.162-1869G>A (NM_001257963.2); c.399-1869G>A (NM_001257962.2); c.519-1869G>A (NM_001114107.5); c.440G>A (NM_014476.4); short protein forms R147H.
Identifiers: ClinVar variation 378350 (VCV000378350.16), dbSNP rs528843301, ClinGen allele CA3159774.
Genomic context (GRCh38, chr4:185,508,521, plus strand): 5'-GCAACTTTCAAGTCACCTGGGCAAATGGTACTAACAGTACTGACAGAAGAAGGGGTGCTG[C>T]GTCCACTGCCACAGTCAATCCCGGAGGGAGTGCTGCATCCACTGTGTTAATGGATACACG-3'
Protein context (NP_055291.2, residues 137-157): TPSGIDCGSG[Arg147His]STPSSVSTVS

ClinVar aggregate classification (germline): Uncertain significance. Review status: criteria provided, multiple submitters, no conflicts (2 of 4 stars). 4 submissions from 4 submitters: Uncertain significance (3). 1 of the submissions does not count toward it. Last evaluated 2025-01-06.

Conditions:
PDLIM3-related disorder. Also called: PDLIM3-related condition.
Hypertrophic cardiomyopathy. Also called: HYPERTROPHIC MYOCARDIOPATHY. Identifiers: Orphanet 217569, MedGen C0007194, MeSH D002312, MONDO:0005045, HP:0001639.
Primary dilated cardiomyopathy (DCM). Also called: Dilated Cardiomyopathy. Identifiers: Orphanet 217604, MedGen C0007193, MeSH D002311, MONDO:0005021, HP:0001644. Inheritance: Various modes of inheritance.

Allele frequency attached by ClinVar (database versions not stated): gnomAD exomes 0.00001; ExAC 0.00002; TOPMed 0.00002; gnomAD 0.00003; 1000 Genomes Project 0.00020; 1000 Genomes Project 30x 0.00031.
gnomAD v4.1: 26 of 1,614,066 alleles (0.0016%); highest among the groups gnomAD compares: African/African-American, 0.0027%; no homozygotes.

Submissions (4):

Labcorp Genetics (formerly Invitae), Labcorp
Classification: Uncertain significance for Hypertrophic cardiomyopathy; Primary dilated cardiomyopathy. Last evaluated: 2025-01-06. Review status: criteria provided, single submitter. Criteria: Invitae Variant Classification Sherloc (09022015). Collection method: clinical testing. Allele origin: germline.
Comment: This sequence change replaces arginine, which is basic and polar, with histidine, which is basic and polar, at codon 147 of the PDLIM3 protein (p.Arg147His). This variant is present in population databases (rs528843301, gnomAD 0.007%). This variant has not been reported in the literature in individuals affected with PDLIM3-related conditions. ClinVar contains an entry for this variant (Variation ID: 378350). Invitae Evidence Modeling of protein sequence and biophysical properties (such as structural, functional, and spatial information, amino acid conservation, physicochemical variation, residue mobility, and thermodynamic stability) indicates that this missense variant is not expected to disrupt PDLIM3 protein function with a negative predictive value of 80%. In summary, the available evidence is currently insufficient to determine the role of this variant in disease. Therefore, it has been classified as a Variant of Uncertain Significance.

GeneDx
Classification: Uncertain significance. Last evaluated: 2024-04-23. Review status: criteria provided, single submitter. Criteria: GeneDx Variant Classification Process June 2021. Collection method: clinical testing. Allele origin: germline. Affected: yes.
Comment: Has been reported as a variant of uncertain significance in association with HCM (PMID: 30681346); In silico analysis indicates that this missense variant does not alter protein structure/function; Variants in candidate genes are classified as variants of uncertain significance in accordance with ACMG guidelines (PMID: 25741868); This variant is associated with the following publications: (PMID: 30681346)

Ambry Genetics
Classification: Uncertain significance. Last evaluated: 2021-09-22. Review status: criteria provided, single submitter. Criteria: Ambry Variant Classification Scheme 2023. Collection method: clinical testing. Allele origin: germline.

PreventionGenetics, part of Exact Sciences
Classification: Uncertain significance for PDLIM3-related condition. Last evaluated: 2024-02-02. Review status: no assertion criteria provided. Collection method: clinical testing. Allele origin: germline. Not counted in ClinVar's aggregate classification.
Comment: The PDLIM3 c.440G>A variant is predicted to result in the amino acid substitution p.Arg147His. To our knowledge, this variant has not been reported in the literature. This variant is reported in 0.0062% of alleles in individuals of African descent in gnomAD. At this time, the clinical significance of this variant is uncertain due to the absence of conclusive functional and genetic evidence.